The following is an entry in ClinVar:

ClinVar aggregate classification (germline): Pathogenic. Review status: criteria provided, multiple submitters, no conflicts (2 of 4 stars). 8 submissions from 8 submitters: Pathogenic (8). Last evaluated 2025-08-22.

Conditions:
CHM-related disorders.
Retinal dystrophy. Also called: Inherited retinal dystrophy. Identifiers: Orphanet 71862, MedGen C0854723, MeSH D058499, MONDO:0019118, HP:0000556.
Choroideremia. Also called: Chorioretinal scalloped atrophy. Identifiers: Orphanet 180, MedGen C0008525, MONDO:0010557, OMIM 303100, HP:0001139.

Submissions (8):

Labcorp Genetics (formerly Invitae), Labcorp
Classification: Pathogenic. Last evaluated: 2025-08-22. Review status: criteria provided, single submitter. Criteria: Invitae Variant Classification Sherloc (09022015). Collection method: clinical testing. Allele origin: germline.
Comment: This sequence change creates a premature translational stop signal (p.Glu177Lysfs*6) in the CHM gene. It is expected to result in an absent or disrupted protein product. Loss-of-function variants in CHM are known to be pathogenic (PMID: 9067750, 23811034). This variant is not present in population databases (gnomAD no frequency). This premature translational stop signal has been observed in individual(s) with X-linked choroideremia (PMID: 19427510, 21905166, 26133251, 27247961, 30541579). ClinVar contains an entry for this variant (Variation ID: 279773). For these reasons, this variant has been classified as Pathogenic.

Blueprint Genetics
Classification: Pathogenic for CHM-related disorders. Last evaluated: 2024-02-05. Review status: criteria provided, single submitter. Criteria: ACMG Guidelines, 2015. Collection method: clinical testing. Allele origin: germline. Affected: yes. Observed: 5 variant alleles.

Dept Of Ophthalmology, Nagoya University
Classification: Pathogenic for Retinal dystrophy. Last evaluated: 2023-10-01. Review status: criteria provided, single submitter. Criteria: Submitter's publication. Collection method: research. Allele origin: germline. Affected: yes.

Ophthalmic Genetics Group, Institute of Molecular and Clinical Ophthalmology Basel
Classification: Pathogenic for Choroideremia. Last evaluated: 2023-07-24. Review status: criteria provided, single submitter. Criteria: ACMG Guidelines, 2015. Collection method: research. Allele origin: germline. Affected: yes. Observed: 1 variant allele.
Comment: Clinical significance based on ACMG v2.0

This variant was classified as Pathogenic based on ACMG criteria: PVS1, PM2, PP5.

GeneDx
Classification: Pathogenic. Last evaluated: 2023-06-20. Review status: criteria provided, single submitter. Criteria: GeneDx Variant Classification Process June 2021. Collection method: clinical testing. Allele origin: germline. Affected: yes.
Comment: Frameshift variant predicted to result in protein truncation or nonsense mediated decay in a gene for which loss of function is a known mechanism of disease; Not observed at significant frequency in large population cohorts (gnomAD); This variant is associated with the following publications: (PMID: 19427510, 30297895, 31922496, 33691693, 7981671, 26133251, 9067750, 21905166, 23811034, 27247961, 30541579)

CeGaT Center for Human Genetics Tuebingen
Classification: Pathogenic. Last evaluated: 2022-12-01. Review status: criteria provided, single submitter. Criteria: CeGaT Center For Human Genetics Tuebingen Variant Classification Criteria Version 2. Collection method: clinical testing. Allele origin: germline. Affected: yes. Observed: 1 variant allele.
Comment: CHM: PVS1, PM2, PS4:Moderate, PP4

Institute of Medical Genetics and Applied Genomics, University Hospital Tübingen
Classification: Pathogenic. Last evaluated: 2021-06-17. Review status: criteria provided, single submitter. Criteria: ACMG Guidelines, 2015. Collection method: clinical testing. Allele origin: germline. Inheritance: X-linked dominant inheritance. Affected: yes.

Institute of Human Genetics, Univ. Regensburg, Univ. Regensburg
Classification: Pathogenic for Retinal dystrophy. Last evaluated: 2008-01-01. Review status: criteria provided, single submitter. Criteria: ACMG Guidelines, 2015. Collection method: clinical testing. Allele origin: germline. Affected: yes.

Literature cited by the submitters: PubMed 9067750 (cited by Labcorp Genetics (formerly Invitae), Labcorp); PubMed 23811034 (cited by Labcorp Genetics (formerly Invitae), Labcorp); PubMed 19427510 (cited by Labcorp Genetics (formerly Invitae), Labcorp and Institute of Human Genetics, Univ. Regensburg, Univ. Regensburg); PubMed 21905166 (cited by Labcorp Genetics (formerly Invitae), Labcorp); PubMed 26133251 (cited by Labcorp Genetics (formerly Invitae), Labcorp and Institute of Human Genetics, Univ. Regensburg, Univ. Regensburg); PubMed 27247961 (cited by Labcorp Genetics (formerly Invitae), Labcorp); PubMed 30541579 (cited by Labcorp Genetics (formerly Invitae), Labcorp and Institute of Human Genetics, Univ. Regensburg, Univ. Regensburg); PubMed 36909829 (cited by Ophthalmic Genetics Group, Institute of Molecular and Clinical Ophthalmology Basel); PubMed 7981671 (cited by Institute of Human Genetics, Univ. Regensburg, Univ. Regensburg); PubMed 30297895 (cited by Institute of Human Genetics, Univ. Regensburg, Univ. Regensburg); PubMed 31922496 (cited by Institute of Human Genetics, Univ. Regensburg, Univ. Regensburg); PubMed 33691693 (cited by Institute of Human Genetics, Univ. Regensburg, Univ. Regensburg); PubMed 36460718 (cited by Institute of Human Genetics, Univ. Regensburg, Univ. Regensburg).

NM_000390.4(CHM):c.525_526del (p.Glu177fs)

Gene: CHM (CHM Rab escort protein; minus strand). Cytogenetic location: Xq21.2.
Variant type: Deletion.
Coding change: c.525_526del on transcript NM_000390.4 (MANE Select); coding-DNA positions 525 to 526, 2 bases deleted (AG; older notation c.525_526delAG).
Protein change: p.Glu177fs; shifts the reading frame from glutamic acid 177.
Molecular consequence: frameshift variant.
Genome position (GRCh38, 1-based): chrX:85,963,841-85,963,842, CT deleted on the plus strand (AG on the coding strand, the reverse complement: CHM is on the minus strand). VCF-style (leftmost placement, unchanged base first): chrX-85963840-CCT-C. GRCh37 (hg19) VCF-style: chrX-85218845-CCT-C.
Other names: NP_000381.1:p.(Glu177LysfsTer6); c.525_526del (LRG_699t1, NM_000390.2); c.81_82del, p.Glu29fs (NM_001320959.1, NM_001362517.1, NM_001362518.2 and 1 more transcripts); c.525_526delAG (NM_000390.4); short protein forms E29fs, E177fs.
Identifiers: ClinVar variation 279773 (VCV000279773.45), dbSNP rs886041177, ClinGen allele CA10603698.